The following is an entry in ClinVar:

NM_015065.3(EXPH5):c.5423G>A (p.Arg1808Gln)

Gene: EXPH5 (exophilin 5; minus strand). Cytogenetic location: 11q22.3.
Variant type: single nucleotide variant.
Coding change: c.5423G>A on transcript NM_015065.3 (MANE Select); coding-DNA position 5423, G replaced by A.
Protein change: p.Arg1808Gln; replaces arginine 1808 with glutamine.
Molecular consequence: missense variant.
Genome position (GRCh38, 1-based): chr11:108,510,084, C>T on the plus strand (G>A on the coding strand, the complement: EXPH5 is on the minus strand). VCF-style: chr11-108510084-C-T. GRCh37 (hg19) VCF-style: chr11-108380811-C-T.
Other names: c.5195G>A, p.Arg1732Gln (NM_001144763.2); c.4955G>A, p.Arg1652Gln (NM_001144764.2); c.4859G>A, p.Arg1620Gln (NM_001144765.2); c.5402G>A, p.Arg1801Gln (NM_001308019.2); short protein forms R1620Q, R1801Q, R1652Q, R1732Q, R1808Q.
Identifiers: ClinVar variation 1428801 (VCV001428801.6), dbSNP rs530030625, ClinGen allele CA6267335.
Genomic context (GRCh38, chr11:108,510,084, plus strand): 5'-TTGTCAATAGAAGTGCTTTCAGAAAAATGGCGCTCCCTGACTTTTGGAGGATGGCTTTTT[C>T]GTAGTAGATCGCCATGAACATTAATGCTTTTTAAACTCTTTGAACGATAGAGGTGTGGCT-3'
Protein context (NP_055880.2, residues 1798-1818): KSINVHGDLL[Arg1808Gln]KSHPPKVRER

ClinVar aggregate classification (germline): Uncertain significance (1 of 4 stars; one submission).

Allele frequency attached by ClinVar (database versions not stated): gnomAD exomes 0.00002; TOPMed 0.00002; ExAC 0.00003; gnomAD 0.00004; 1000 Genomes Project 30x 0.00016; 1000 Genomes Project 0.00020.

Submission:

Labcorp Genetics (formerly Invitae), Labcorp
Classification: Uncertain significance. Last evaluated: 2021-12-03. Review status: criteria provided, single submitter. Criteria: Invitae Variant Classification Sherloc (09022015). Collection method: clinical testing. Allele origin: germline.
Comment: Algorithms developed to predict the effect of missense changes on protein structure and function output the following: SIFT: "Tolerated"; PolyPhen-2: "Possibly Damaging"; Align-GVGD: "Class C0". The glutamine amino acid residue is found in multiple mammalian species, which suggests that this missense change does not adversely affect protein function. In summary, the available evidence is currently insufficient to determine the role of this variant in disease. Therefore, it has been classified as a Variant of Uncertain Significance. This variant has not been reported in the literature in individuals affected with EXPH5-related conditions. The frequency data for this variant in the population databases is considered unreliable, as metrics indicate poor data quality at this position in the gnomAD database. This sequence change replaces arginine, which is basic and polar, with glutamine, which is neutral and polar, at codon 1808 of the EXPH5 protein (p.Arg1808Gln).